The following is an entry in ClinVar:

NM_024649.5(BBS1):c.1763A>G (p.Glu588Gly)

Genes: BBS1 (Bardet-Biedl syndrome 1; plus strand), ZDHHC24 (zDHHC palmitoyltransferase 24; minus strand). Cytogenetic location: 11q13.2.
Variant type: single nucleotide variant.
Coding change: c.1763A>G on transcript NM_024649.5 (MANE Select); coding-DNA position 1763, A replaced by G.
Protein change: p.Glu588Gly; replaces glutamic acid 588 with glycine.
Molecular consequence: missense variant. On other transcripts: intron variant (1).
Genome position (GRCh38, 1-based): chr11:66,532,018, A>G. VCF-style: chr11-66532018-A-G. GRCh37 (hg19) VCF-style: chr11-66299489-A-G.
Other names: c.560-2530T>C (NM_001348571.2); short protein forms E588G.
Identifiers: ClinVar variation 3656039 (VCV003656039.2).
Genomic context (GRCh38, chr11:66,532,018, plus strand): 5'-TGCTTCGAGAAGGCCAAAGTGCACCCCTGCTGAGTGCCCACGTCAACATGCCTGGGAGCG[A>G]GGGGCTGGCGGCCGCCTGAGACCTGAGCTGCTGTGAAAGCCCCTGCACAATCAGCCAGGG-3'
Protein context (NP_078925.3, residues 578-593): LSAHVNMPGS[Glu588Gly]GLAAA

ClinVar aggregate classification (germline): Uncertain significance (1 of 4 stars; one submission).

Conditions:
Bardet-Biedl syndrome (BBS). Identifiers: Orphanet 110, MedGen C0752166, MONDO:0015229.

Submission:

Labcorp Genetics (formerly Invitae), Labcorp
Classification: Uncertain significance for Bardet-Biedl syndrome. Last evaluated: 2025-06-12. Review status: criteria provided, single submitter. Criteria: Invitae Variant Classification Sherloc (09022015). Collection method: clinical testing. Allele origin: germline.
Comment: This sequence change replaces glutamic acid, which is acidic and polar, with glycine, which is neutral and non-polar, at codon 588 of the BBS1 protein (p.Glu588Gly). This variant is not present in population databases (gnomAD no frequency). This variant has not been reported in the literature in individuals affected with BBS1-related conditions. ClinVar contains an entry for this variant (Variation ID: 3656039). Invitae Evidence Modeling of protein sequence and biophysical properties (such as structural, functional, and spatial information, amino acid conservation, physicochemical variation, residue mobility, and thermodynamic stability) indicates that this missense variant is expected to disrupt BBS1 protein function with a positive predictive value of 95%. In summary, the available evidence is currently insufficient to determine the role of this variant in disease. Therefore, it has been classified as a Variant of Uncertain Significance.